The following is an entry in ClinVar:

ClinVar aggregate classification (germline): Pathogenic (1 of 4 stars; one submission).

Allele frequency attached by ClinVar (database versions not stated): gnomAD exomes below 0.00001.

Submission:

GeneDx
Classification: Pathogenic. Last evaluated: 2019-02-07. Review status: criteria provided, single submitter. Criteria: GeneDx Variant Classification (06012015). Collection method: clinical testing. Allele origin: germline. Affected: yes.
Comment: The W83X variant has been reported in a patient with galactosialidosis who was homozygous for the W83X variant (Yubero et al., 2016). The W83X variant is not observed in large population cohorts (Lek et al., 2016). The W83X variant is predicted to cause loss of normal protein function either through protein truncation or nonsense-mediated mRNA decay. In summary, we interpret this variant as pathogenic.

NM_000308.4(CTSA):c.195G>A (p.Trp65Ter)

Gene: CTSA (cathepsin A; plus strand). Cytogenetic location: 20q13.12.
Variant type: single nucleotide variant.
Coding change: c.195G>A on transcript NM_000308.4 (MANE Select); coding-DNA position 195, G replaced by A.
Protein change: p.Trp65Ter; replaces tryptophan 65 with a stop codon.
Molecular consequence: nonsense. On other transcripts: non-coding transcript variant (1).
Genome position (GRCh38, 1-based): chr20:45,891,916, G>A. VCF-style: chr20-45891916-G-A. GRCh37 (hg19) VCF-style: chr20-44520555-G-A.
Other names: c.195G>A, p.Trp65Ter (NM_001127695.3, NM_001167594.3); short protein forms W65*.
Identifiers: ClinVar variation 620166 (VCV000620166.2), dbSNP rs1568761792, ClinGen allele CA409248439.
Genomic context (GRCh38, chr20:45,891,916, plus strand): 5'-CCGGGAGGGCTGGAAAGGGCCCCTCCAACTGCGCCAACCCTGCCCTGACCCCCCTCCCAG[G>A]TTTGTGGAGTCCCAGAAGGATCCCGAGAACAGCCCTGTGGTGCTTTGGCTCAATGGGGGT-3'